The following is an entry in ClinVar:

NM_005050.4(ABCD4):c.1306G>A (p.Gly436Ser)

Gene: ABCD4 (ATP binding cassette subfamily D member 4; minus strand). Cytogenetic location: 14q24.3.
Variant type: single nucleotide variant.
Coding change: c.1306G>A on transcript NM_005050.4 (MANE Select); coding-DNA position 1306, G replaced by A.
Protein change: p.Gly436Ser; replaces glycine 436 with serine.
Molecular consequence: missense variant. On other transcripts: non-coding transcript variant (10).
Genome position (GRCh38, 1-based): chr14:74,290,312, C>T on the plus strand (G>A on the coding strand, the complement: ABCD4 is on the minus strand). VCF-style: chr14-74290312-C-T. GRCh37 (hg19) VCF-style: chr14-74757015-C-T.
Other names: c.1180G>A, p.Gly394Ser (NM_001353591.2, NM_001353592.2); c.1045G>A, p.Gly349Ser (NM_001353593.2); c.994G>A, p.Gly332Ser (NM_001353594.2); c.892G>A, p.Gly298Ser (NM_001353595.2, NM_001353596.2); c.841G>A, p.Gly281Ser (NM_001353597.2); c.829G>A, p.Gly277Ser (NM_001353598.2, NM_001353599.2, NM_001353600.2 and 2 more transcripts); c.517G>A, p.Gly173Ser (NM_001353602.2, NM_001353603.2, NM_001353604.2 and 6 more transcripts); c.1306G>A, p.Gly436Ser (NM_020325.3); short protein forms G332S, G349S, G277S, G394S, G173S, G281S, G298S, G436S.
Identifiers: ClinVar variation 965796 (VCV000965796.9), dbSNP rs2081143591, ClinGen allele CA390381175.

ClinVar aggregate classification (germline): Uncertain significance (1 of 4 stars; one submission).

Conditions:
Methylmalonic acidemia with homocystinuria, type cblJ (MAHCJ). Also called: METHYLMALONIC ACIDURIA AND HOMOCYSTINURIA, cblJ TYPE. Identifiers: Orphanet 369955, MedGen C3553915, MONDO:0013925, OMIM 614857.

Submission:

Labcorp Genetics (formerly Invitae), Labcorp
Classification: Uncertain significance for Methylmalonic acidemia with homocystinuria, type cblJ. Last evaluated: 2020-01-06. Review status: criteria provided, single submitter. Criteria: Invitae Variant Classification Sherloc (09022015). Collection method: clinical testing. Allele origin: germline.
Comment: In summary, the available evidence is currently insufficient to determine the role of this variant in disease. Therefore, it has been classified as a Variant of Uncertain Significance. Algorithms developed to predict the effect of sequence changes on RNA splicing suggest that this variant may create or strengthen a splice site, but this prediction has not been confirmed by published transcriptional studies. Algorithms developed to predict the effect of missense changes on protein structure and function output the following: SIFT: "Tolerated"; PolyPhen-2: "Benign"; Align-GVGD: "Class C0". The serine amino acid residue is found in multiple mammalian species, suggesting that this missense change does not adversely affect protein function. These predictions have not been confirmed by published functional studies and their clinical significance is uncertain. This variant has not been reported in the literature in individuals with ABCD4-related conditions. This variant is not present in population databases (ExAC no frequency). This sequence change replaces glycine with serine at codon 436 of the ABCD4 protein (p.Gly436Ser). The glycine residue is highly conserved and there is a small physicochemical difference between glycine and serine.